The following is an entry in ClinVar:

NM_001159773.2(CANT1):c.683G>A (p.Gly228Asp)

Gene: CANT1 (calcium activated nucleotidase 1; minus strand). Cytogenetic location: 17q25.3.
Variant type: single nucleotide variant.
Coding change: c.683G>A on transcript NM_001159773.2 (MANE Select); coding-DNA position 683, G replaced by A.
Protein change: p.Gly228Asp; replaces glycine 228 with aspartic acid.
Molecular consequence: missense variant.
Genome position (GRCh38, 1-based): chr17:78,995,170, C>T on the plus strand (G>A on the coding strand, the complement: CANT1 is on the minus strand). VCF-style: chr17-78995170-C-T. GRCh37 (hg19) VCF-style: chr17-76991252-C-T.
Other names: c.683G>A, p.Gly228Asp (NM_001159772.2, NM_138793.4); short protein forms G228D.
Identifiers: ClinVar variation 5005843 (VCV005005843.2).

ClinVar aggregate classification (germline): Uncertain significance (1 of 4 stars; one submission).

Conditions:
Desbuquois dysplasia 1 (DBQD1). Also called: DESBUQUOIS DYSPLASIA 1, KIM VARIANT; MICROMELIC DWARFISM WITH VERTEBRAL AND METAPHYSEAL ABNORMALITIES AND ADVANCED CARPOTARSAL OSSIFICATION. Identifiers: Orphanet 1425, MedGen C4012146, MONDO:0009629, OMIM 251450.
Epiphyseal dysplasia, multiple, 7. Identifiers: Orphanet 647676, MedGen C4540251, MONDO:0054680, OMIM 617719.

Submission:

Juno Genomics, Hangzhou Juno Genomics, Inc
Classification: Uncertain significance for Desbuquois dysplasia 1; Epiphyseal dysplasia, multiple, 7. Review status: criteria provided, single submitter. Criteria: ACMG Guidelines, 2015. Collection method: clinical testing. Allele origin: germline.
Comment: Absent from controls (or at extremely low frequency if recessive) in Genome Aggregation Database.;Multiple lines of computational evidence support a deleterious effect on the gene or gene product.